The following is an entry in ClinVar:

ClinVar aggregate classification (germline): Benign. Review status: criteria provided, multiple submitters, no conflicts (2 of 4 stars). 4 submissions from 4 submitters: Benign (4). Last evaluated 2026-02-04.

Conditions:
Hereditary spastic paraplegia 48. Also called: Spastic paraplegia 48; SPASTIC PARAPLEGIA 48, AUTOSOMAL RECESSIVE. Identifiers: Orphanet 306511, MedGen C3150901, MONDO:0013342, OMIM 613647.

Allele frequency attached by ClinVar (database versions not stated): ExAC 0.16117; ESP Exome Variant Server 0.16495; gnomAD 0.16921 and 0.17011; TOPMed 0.17564; 1000 Genomes Project 0.18530; 1000 Genomes Project 30x 0.18973.
gnomAD v4.1: 212,627 of 1,606,016 alleles (13%); highest among the groups gnomAD compares: African/African-American, 31%; 16,750 homozygotes.

Submissions (4):

Labcorp Genetics (formerly Invitae), Labcorp
Classification: Benign for Hereditary spastic paraplegia 48. Last evaluated: 2026-02-04. Review status: criteria provided, single submitter. Criteria: Invitae Variant Classification Sherloc (09022015). Collection method: clinical testing. Allele origin: germline.

Blueprint Genetics
Classification: Benign. Last evaluated: 2024-11-27. Review status: criteria provided, single submitter. Criteria: ACMG Guidelines, 2015. Collection method: clinical testing. Allele origin: germline.

Genome-Nilou Lab
Classification: Benign for Hereditary spastic paraplegia 48. Last evaluated: 2021-07-14. Review status: criteria provided, single submitter. Criteria: ACMG Guidelines, 2015. Collection method: clinical testing. Allele origin: germline. Affected: no.

Illumina Laboratory Services, Illumina
Classification: Benign for Hereditary spastic paraplegia 48. Last evaluated: 2018-01-13. Review status: criteria provided, single submitter. Criteria: ICSL Variant Classification Criteria 13 December 2019. Collection method: clinical testing. Allele origin: germline.
Comment: This variant was observed in the ICSL laboratory as part of a predisposition screen in an ostensibly healthy population. It had not been previously curated by ICSL or reported in the Human Gene Mutation Database (HGMD: prior to June 1st, 2018), and was therefore a candidate for classification through an automated scoring system. Utilizing variant allele frequency, disease prevalence and penetrance estimates, and inheritance mode, an automated score was calculated to assess if this variant is too frequent to cause the disease. Based on the score and internal cut-off values, a variant classified as benign is not then subjected to further curation. The score for this variant resulted in a classification of benign for this disease.

NM_014855.3(AP5Z1):c.1707+11T>C

Gene: AP5Z1 (adaptor related protein complex 5 subunit zeta 1; plus strand). Cytogenetic location: 7p22.1.
Variant type: single nucleotide variant.
Coding change: c.1707+11T>C on transcript NM_014855.3 (MANE Select); 11 bases into the intron after coding-DNA position 1707, T replaced by C.
Molecular consequence: intron variant.
Genome position (GRCh38, 1-based): chr7:4,788,962, T>C. VCF-style: chr7-4788962-T-C. GRCh37 (hg19) VCF-style: chr7-4828593-T-C.
Other names: c.1707+11T>C (LRG_1247t1); c.1239+11T>C (NM_001364858.1).
Identifiers: ClinVar variation 360333 (VCV000360333.16), dbSNP rs3750012, ClinGen allele CA4137981.
Genomic context (GRCh38, chr7:4,788,962, plus strand): 5'-CCCAGGCCGTGCCCACGCTGCTGCAGGCATTCTTCTCAGCAGTGACCCAGGTGAGCTCGC[T>C]GCCTGGGGCCCCCCATTCCCACAGGCCTCACAACTGAGGGGCAGGCCAGAGCCAGCACTG-3'